The following is an entry in ClinVar:

ClinVar aggregate classification (germline): Pathogenic (1 of 4 stars; one submission).

Submission:

Labcorp Genetics (formerly Invitae), Labcorp
Classification: Pathogenic. Last evaluated: 2018-11-19. Review status: criteria provided, single submitter. Criteria: Invitae Variant Classification Sherloc (09022015). Collection method: clinical testing. Allele origin: germline.
Comment: Loss-of-function variants in NR2E3 are known to be pathogenic (PMID: 15453866, 15459973, 21217109, 23039133). This variant has not been reported in the literature in individuals with NR2E3-related disease. This sequence change creates a premature translational stop signal (p.Gln101*) in the NR2E3 gene. It is expected to result in an absent or disrupted protein product. For these reasons, this variant has been classified as Pathogenic.

Literature cited by the submitters: PubMed 15453866; PubMed 15459973; PubMed 21217109; PubMed 23039133.

NM_014249.4(NR2E3):c.301C>T (p.Gln101Ter)

Gene: NR2E3 (nuclear receptor subfamily 2 group E member 3; plus strand). Cytogenetic location: 15q23.
Variant type: single nucleotide variant.
Coding change: c.301C>T on transcript NM_014249.4 (MANE Select); coding-DNA position 301, C replaced by T.
Protein change: p.Gln101Ter; replaces glutamine 101 with a stop codon.
Molecular consequence: nonsense.
Genome position (GRCh38, 1-based): chr15:71,811,821, C>T. VCF-style: chr15-71811821-C-T. GRCh37 (hg19) VCF-style: chr15-72104161-C-T.
Other names: c.301C>T, p.Gln101Ter (NM_016346.4); short protein forms Q101*.
Identifiers: ClinVar variation 661687 (VCV000661687.6), dbSNP rs1595956148, ClinGen allele CA393032609.